The following is an entry in ClinVar:

NM_000051.4(ATM):c.6976-15G>T

Genes: ATM (ATM serine/threonine kinase; plus strand), C11orf65 (chromosome 11 open reading frame 65; minus strand). Cytogenetic location: 11q22.3.
Variant type: single nucleotide variant.
Coding change: c.6976-15G>T on transcript NM_000051.4 (MANE Select); 15 bases into the intron before coding-DNA position 6976, G replaced by T.
Molecular consequence: intron variant.
Genome position (GRCh38, 1-based): chr11:108,327,630, G>T. VCF-style: chr11-108327630-G-T. GRCh37 (hg19) VCF-style: chr11-108198357-G-T.
Other names: c.6976-15G>T (NM_001351834.2); c.641-18559C>A (NM_001330368.2); c.*38+7590C>A (NM_001351110.2).
Identifiers: ClinVar variation 3253811 (VCV003253811.1), dbSNP rs2136371607.

ClinVar aggregate classification (germline): Likely benign (1 of 4 stars; one submission).

Conditions:
Familial cancer of breast. Also called: hereditary breast carcinoma; BREAST CANCER, FAMILIAL; Hereditary breast cancer. Identifiers: Orphanet 227535, MedGen C0346153, MONDO:0016419, OMIM 114480. Disease mechanism: loss of function.

Submission:

Myriad Genetics, Inc.
Classification: Likely benign for Familial cancer of breast. Last evaluated: 2024-06-12. Review status: criteria provided, single submitter. Criteria: Myriad Autosomal Dominant, Autosomal Recessive and X-Linked Classification Criteria (2023). Collection method: clinical testing. Allele origin: unknown.
Comment: This variant is considered likely benign. This variant is intronic and is not expected to impact mRNA splicing.